The following is an entry in ClinVar:

ClinVar aggregate classification (germline): Uncertain significance (0 of 4 stars; one submission).

Conditions:
TBX1-related disorder. Also called: TBX1-related condition; TBX1-Related Disorders.

Submission:

PreventionGenetics, part of Exact Sciences
Classification: Uncertain significance for TBX1-related condition. Last evaluated: 2024-06-06. Review status: no assertion criteria provided. Collection method: clinical testing. Allele origin: germline.
Comment: The TBX1 c.1390_1428del39 variant is predicted to result in an in-frame deletion (p.Ala464_Ala476del). To our knowledge, this variant has not been reported in the literature. This variant is reported in 0.0061% of alleles in individuals of South Asian descent in gnomAD. At this time, the clinical significance of this variant is uncertain due to the absence of conclusive functional and genetic evidence.

NM_001379200.1(TBX1):c.1417_1455del (p.Ala473_Ala485del)

Gene: TBX1 (T-box transcription factor 1; plus strand). Cytogenetic location: 22q11.21.
Variant type: Deletion.
Coding change: c.1417_1455del on transcript NM_001379200.1 (MANE Select); coding-DNA positions 1417 to 1455, 39 bases deleted.
Protein change: p.Ala473_Ala485del.
Molecular consequence: inframe deletion. On other transcripts: intron variant (2).
Genome position (GRCh38, 1-based): chr22:19,766,769-19,766,807, 39 bases deleted; deleting any 39 consecutive bases within chr22:19,766,763-19,766,807 gives the same sequence; the c. name uses the placement nearest the transcript's 3' end. GRCh37 (hg19): chr22:19,754,292-19,754,330.
Other names: c.1390_1428del, p.Ala464_Ala476del (NM_080647.1); c.1009+767_1009+805del (NM_005992.1, NM_080646.2); c.1390_1428del39 (NM_080647.1).
Identifiers: ClinVar variation 3345036 (VCV003345036.1).
Genomic context (GRCh38, chr22:19,766,762, plus strand): 5'-GCGTGGCCACGGCTACCACCCGCACGCGCATCCGCACCACCACCACCACCCCGTGAGTCC[AGCCGCCGCGGCCGCCGCCGCCGCTGCCGCAGCTGCCGCG>A]GCCGCCAACATGTACTCGTCGGCCGGAGCCGCGCCGCCCGGCTCCTACGACTATTGCCCC-3'